The following is an entry in ClinVar:

NM_006904.7(PRKDC):c.794A>G (p.Tyr265Cys)

Gene: PRKDC (protein kinase, DNA-activated, catalytic subunit; minus strand). Cytogenetic location: 8q11.21.
Variant type: single nucleotide variant.
Coding change: c.794A>G on transcript NM_006904.7 (MANE Select); coding-DNA position 794, A replaced by G.
Protein change: p.Tyr265Cys; replaces tyrosine 265 with cysteine.
Molecular consequence: missense variant.
Genome position (GRCh38, 1-based): chr8:47,943,867, T>C on the plus strand (A>G on the coding strand, the complement: PRKDC is on the minus strand). VCF-style: chr8-47943867-T-C. GRCh37 (hg19) VCF-style: chr8-48856427-T-C.
Other names: c.794A>G, p.Tyr265Cys (NM_001081640.2); short protein forms Y265C.
Identifiers: ClinVar variation 1011123 (VCV001011123.7), dbSNP rs745341885, ClinGen allele CA4741919.
Genomic context (GRCh38, chr8:47,943,867, plus strand): 5'-ATTTAGTAATCTAAAATATTATACCTCATTATAAACAGAATCCTACCTGAGGGCACAGCA[T>C]ATCTCTTCAGATCAATCTATTTTAGAAAAGAAAAATTCACCATCAGTATTTGAAAGTCTG-3'
Protein context (NP_008835.5, residues 255-275): AIRPQIDLKR[Tyr265Cys]AVPSAGLRLF

ClinVar aggregate classification (germline): Uncertain significance (1 of 4 stars; one submission).

Conditions:
Severe combined immunodeficiency due to DNA-PKcs deficiency. Also called: IMMUNODEFICIENCY 26 WITH NEUROLOGIC ABNORMALITIES; Immunodeficiency 26 with or without neurologic abnormalities. Identifiers: Orphanet 317425, MedGen C4014833, MONDO:0014423, OMIM 615966.

Allele frequency attached by ClinVar (database versions not stated): gnomAD exomes 0.00001 and 0.00002; TOPMed 0.00001; gnomAD 0.00002; ExAC 0.00007.
gnomAD v4.1: 31 of 1,592,764 alleles (0.0019%); highest among the groups gnomAD compares: Non-Finnish European, 0.0026%; no homozygotes.

Submission:

Labcorp Genetics (formerly Invitae), Labcorp
Classification: Uncertain significance for Severe combined immunodeficiency due to DNA-PKcs deficiency. Last evaluated: 2021-02-15. Review status: criteria provided, single submitter. Criteria: Invitae Variant Classification Sherloc (09022015). Collection method: clinical testing. Allele origin: germline.
Comment: In summary, the available evidence is currently insufficient to determine the role of this variant in disease. Therefore, it has been classified as a Variant of Uncertain Significance. Experimental studies and prediction algorithms are not available or were not evaluated, and the functional significance of this variant is currently unknown. This variant has not been reported in the literature in individuals with PRKDC-related conditions. This variant is present in population databases (rs745341885, ExAC 0.02%). This sequence change replaces tyrosine with cysteine at codon 265 of the PRKDC protein (p.Tyr265Cys). The tyrosine residue is highly conserved and there is a large physicochemical difference between tyrosine and cysteine.